The following is an entry in ClinVar:

ClinVar aggregate classification (germline): Uncertain significance (1 of 4 stars; one submission).

Submission:

Dasa
Classification: Uncertain significance. Last evaluated: 2025-08-28. Review status: criteria provided, single submitter. Criteria: DASA Assertion Criteria. Collection method: clinical testing. Allele origin: germline.
Comment: NM_014008.5(CCDC22):c.526T>C (p.Ser176Pro) is a missense variant that results in the substitution of serine with proline. This variant is absent from population databases. Computational prediction algorithms are consistent with a benign effect. The currently available literature and clinical evidence are not sufficient to establish a definitive association between this variant and the reported condition. Therefore, this variant is classified as a variant of uncertain significance.

NM_014008.5(CCDC22):c.526T>C (p.Ser176Pro)

Gene: CCDC22 (CCC complex scaffolding subunit CCDC22; plus strand). Cytogenetic location: Xp11.23.
Variant type: single nucleotide variant.
Coding change: c.526T>C on transcript NM_014008.5 (MANE Select); coding-DNA position 526, T replaced by C.
Protein change: p.Ser176Pro; replaces serine 176 with proline.
Molecular consequence: missense variant.
Genome position (GRCh38, 1-based): chrX:49,243,175, T>C. VCF-style: chrX-49243175-T-C. GRCh37 (hg19) VCF-style: chrX-49099641-T-C.
Other names: short protein forms S176P.
Identifiers: ClinVar variation 4882305 (VCV004882305.2).